The following is an entry in ClinVar:

ClinVar aggregate classification (germline): Uncertain significance (1 of 4 stars; one submission).

Conditions:
Tuberous sclerosis 2 (TSC2). Identifiers: Orphanet 805, MedGen C1860707, MONDO:0013199, OMIM 613254.

Allele frequency attached by ClinVar (database versions not stated): gnomAD exomes below 0.00001.
gnomAD v4.1: 2 of 1,613,988 alleles (0.00012%); highest among the groups gnomAD compares: Non-Finnish European, 0.00017%; no homozygotes.

Submission:

Labcorp Genetics (formerly Invitae), Labcorp
Classification: Uncertain significance for Tuberous sclerosis 2. Last evaluated: 2020-03-12. Review status: criteria provided, single submitter. Criteria: Invitae Variant Classification Sherloc (09022015). Collection method: clinical testing. Allele origin: germline.
Comment: In summary, this is a novel missense change that is not predicted to affect protein function or cause disease. However, the evidence is insufficient at this time to prove that conclusively. It has been classified as a Variant of Uncertain Significance. Algorithms developed to predict the effect of missense changes on protein structure and function (SIFT, PolyPhen-2, Align-GVGD) all suggest that this variant is likely to be tolerated, but these predictions have not been confirmed by published functional studies. This variant is not present in population databases (ExAC no frequency) and has not been reported in the literature in individuals with a TSC2-related disease. This sequence change replaces glutamine with glutamic acid at codon 883 of the TSC2 protein (p.Gln883Glu). The glutamine residue is highly conserved and there is a small physicochemical difference between glutamine and glutamic acid.

NM_000548.5(TSC2):c.2647C>G (p.Gln883Glu)

Gene: TSC2 (TSC complex subunit 2; plus strand). Cytogenetic location: 16p13.3.
Variant type: single nucleotide variant.
Coding change: c.2647C>G on transcript NM_000548.5 (MANE Select); coding-DNA position 2647, C replaced by G.
Protein change: p.Gln883Glu; replaces glutamine 883 with glutamic acid.
Molecular consequence: missense variant.
Genome position (GRCh38, 1-based): chr16:2,076,075, C>G. VCF-style: chr16-2076075-C-G. GRCh37 (hg19) VCF-style: chr16-2126076-C-G.
Other names: c.2647C>G, p.Gln883Glu (NM_001077183.3, NM_001114382.3, NM_001363528.2 and 3 more transcripts); c.2536C>G, p.Gln846Glu (NM_001318827.2); c.2500C>G, p.Gln834Glu (NM_001318829.2); c.2047C>G, p.Gln683Glu (NM_001318831.2); c.2680C>G, p.Gln894Glu (NM_001318832.2); short protein forms Q883E, Q846E, Q683E, Q834E, Q894E.
Identifiers: ClinVar variation 237999 (VCV000237999.8), dbSNP rs45476100, ClinGen allele CA10583314.